The following is an entry in ClinVar:

ClinVar aggregate classification (germline): Uncertain significance. Review status: criteria provided, multiple submitters, no conflicts (2 of 4 stars). 2 submissions from 2 submitters: Uncertain significance (2). Last evaluated 2025-07-27.

Conditions:
Dilated cardiomyopathy 1J (CMD1J). Also called: CARDIOMYOPATHY, DILATED, WITH SENSORINEURAL HEARING LOSS, AUTOSOMAL DOMINANT. Identifiers: Orphanet 217622, MedGen C1854368, MONDO:0011541, OMIM 605362.

Submissions (2):

Labcorp Genetics (formerly Invitae), Labcorp
Classification: Uncertain significance for Dilated cardiomyopathy 1J. Last evaluated: 2025-07-27. Review status: criteria provided, single submitter. Criteria: Invitae Variant Classification Sherloc (09022015). Collection method: clinical testing. Allele origin: germline.
Comment: This sequence change replaces methionine, which is neutral and non-polar, with leucine, which is neutral and non-polar, at codon 616 of the EYA4 protein (p.Met616Leu). This variant is not present in population databases (gnomAD no frequency). This variant has not been reported in the literature in individuals affected with EYA4-related conditions. ClinVar contains an entry for this variant (Variation ID: 1803378). Invitae Evidence Modeling of protein sequence and biophysical properties (such as structural, functional, and spatial information, amino acid conservation, physicochemical variation, residue mobility, and thermodynamic stability) indicates that this missense variant is not expected to disrupt EYA4 protein function with a negative predictive value of 80%. In summary, the available evidence is currently insufficient to determine the role of this variant in disease. Therefore, it has been classified as a Variant of Uncertain Significance.

GeneDx
Classification: Uncertain significance. Last evaluated: 2022-06-07. Review status: criteria provided, single submitter. Criteria: GeneDx Variant Classification Process June 2021. Collection method: clinical testing. Allele origin: germline. Affected: yes.
Comment: Not observed at significant frequency in large population cohorts (gnomAD); In silico analysis supports that this missense variant does not alter protein structure/function; Has not been previously published as pathogenic or benign to our knowledge

NM_004100.5(EYA4):c.1846A>C (p.Met616Leu)

Genes: TARID (TCF21 antisense RNA inducing promoter demethylation; minus strand), EYA4 (EYA transcriptional coactivator and phosphatase 4; plus strand). Cytogenetic location: 6q23.2.
Variant type: single nucleotide variant.
Coding change: c.1846A>C on transcript NM_004100.5 (MANE Select); coding-DNA position 1846, A replaced by C.
Protein change: p.Met616Leu; replaces methionine 616 with leucine.
Molecular consequence: missense variant.
Genome position (GRCh38, 1-based): chr6:133,528,731, A>C. VCF-style: chr6-133528731-A-C. GRCh37 (hg19) VCF-style: chr6-133849869-A-C.
Other names: c.1684A>C, p.Met562Leu (NM_001301012.2); c.1864A>C, p.Met622Leu (NM_001301013.2); c.1777A>C, p.Met593Leu (NM_001370458.1, NM_172103.4); c.1702A>C, p.Met568Leu (NM_001370459.1); c.1846A>C, p.Met616Leu (NM_172105.4); short protein forms M562L, M568L, M593L, M616L, M622L.
Identifiers: ClinVar variation 1803378 (VCV001803378.2), dbSNP rs2535562370, ClinGen allele CA365702766.